The following is an entry in ClinVar:

ClinVar aggregate classification (germline): Uncertain significance (1 of 4 stars; one submission).

Allele frequency attached by ClinVar (database versions not stated): gnomAD exomes below 0.00001.
gnomAD v4.1: 1 of 1,614,122 alleles (0.000062%); highest among the groups gnomAD compares: African/African-American, 0.0013%; no homozygotes.

Submission:

GeneDx
Classification: Uncertain significance. Last evaluated: 2022-10-03. Review status: criteria provided, single submitter. Criteria: GeneDx Variant Classification Process June 2021. Collection method: clinical testing. Allele origin: germline. Affected: yes.
Comment: Not observed at significant frequency in large population cohorts (gnomAD); In silico analysis supports that this missense variant has a deleterious effect on protein structure/function; Has not been previously published as pathogenic or benign to our knowledge

NM_001042492.3(NF1):c.6049A>C (p.Thr2017Pro)

Gene: NF1 (neurofibromin 1; plus strand). Cytogenetic location: 17q11.2.
Variant type: single nucleotide variant.
Coding change: c.6049A>C on transcript NM_001042492.3 (MANE Select); coding-DNA position 6049, A replaced by C.
Protein change: p.Thr2017Pro; replaces threonine 2017 with proline.
Molecular consequence: missense variant.
Genome position (GRCh38, 1-based): chr17:31,336,375, A>C. VCF-style: chr17-31336375-A-C. GRCh37 (hg19) VCF-style: chr17-29663393-A-C.
Other names: c.5986A>C, p.Thr1996Pro (NM_000267.4); short protein forms T1996P, T2017P.
Identifiers: ClinVar variation 2446694 (VCV002446694.1), dbSNP rs2151553279, ClinGen allele CA399011095.